The following is an entry in ClinVar:

ClinVar aggregate classification (germline): Pathogenic. Review status: criteria provided, multiple submitters, no conflicts (2 of 4 stars). 11 submissions from 11 submitters: Pathogenic (11). Last evaluated 2026-01-24.

Conditions:
ALMS1-related disorder. Also called: ALMS1-related condition.
Cardiovascular phenotype. Identifiers: MedGen CN230736.
Alstrom syndrome (ALMS). Identifiers: Orphanet 64, MedGen C0268425, MONDO:0008763, OMIM 203800.

Allele frequency attached by ClinVar (database versions not stated): gnomAD 0.00001; TOPMed 0.00001; ExAC 0.00002; gnomAD exomes 0.00002.
gnomAD v4.1: 40 of 1,613,610 alleles (0.0025%); highest among the groups gnomAD compares: South Asian, 0.012%; no homozygotes.

Submissions (12):

Labcorp Genetics (formerly Invitae), Labcorp
Classification: Pathogenic for Alstrom syndrome. Last evaluated: 2026-01-24. Review status: criteria provided, single submitter. Criteria: Invitae Variant Classification Sherloc (09022015). Collection method: clinical testing. Allele origin: germline.
Comment: This sequence change creates a premature translational stop signal (p.Leu941*) in the ALMS1 gene. It is expected to result in an absent or disrupted protein product. Loss-of-function variants in ALMS1 are known to be pathogenic (PMID: 17594715). This variant is present in population databases (rs539612316, gnomAD 0.006%). This premature translational stop signal has been observed in individuals with Alstrom syndrome (PMID: 26111748, 27665122). ClinVar contains an entry for this variant (Variation ID: 224801). For these reasons, this variant has been classified as Pathogenic.

Natera, Inc.
Classification: Pathogenic for Alstrom syndrome. Last evaluated: 2026-01-22. Review status: criteria provided, single submitter. Criteria: Natera Variant Classification Schema (03/2026). Collection method: clinical testing. Allele origin: germline.
Comment: The c.2822T>A variant in ALMS1 is a nonsense variant predicted to introduce a stop codon at amino acid 941. This variant is expected to result in nonsense mediated decay, truncation, or a dysfunctional protein product. This variant is rare in the general population with a frequency below the threshold expected for the associated phenotype(s). This variant has been observed in one or more individuals affected with the associated recessive disease, as either homozygous or compound heterozygous with a second variant (PMID: 30484169, 32503575). Given the available evidence, this variant is classified as Pathogenic.

CeGaT Center for Human Genetics Tuebingen
Classification: Pathogenic. Last evaluated: 2025-08-01. Review status: criteria provided, single submitter. Criteria: CeGaT Center For Human Genetics Tuebingen Variant Classification Criteria Version 2. Collection method: clinical testing. Allele origin: germline. Affected: yes. Observed: 1 variant allele.
Comment: ALMS1: PVS1, PM3:Strong, PM2

Variantyx, Inc.
Classification: Pathogenic for Alstrom syndrome. Last evaluated: 2025-04-30. Review status: criteria provided, single submitter. Criteria: Variantyx Assertion Criteria 2022. Collection method: clinical testing. Allele origin: germline. Inheritance: Autosomal recessive inheritance. Affected: yes.
Comment: This is a nonsense variant in the ALMS1 gene (OMIM: 606844). Pathogenic variants in this gene have been associated with autosomal recessive Alstrom syndrome. This variant introduces a premature termination codon in exon 8 out of 23 and is expected to result in loss of function, which is a known disease mechanism for ALMS1 in this disorder (PMID: 17594715) (PVS1). This variant has been reported in the homozygous or compound heterozygous state in at least 4 unrelated affected individuals (PMID: 38576930, 28407410, 28717663, 27788217 ) (PM3). It has a 0.0121% maximum allele frequency in non-founder control populations (PM2). Based on the current evidence, this variant is classified as pathogenic for autosomal recessive Alstrom syndrome.

GeneDx
Classification: Pathogenic. Last evaluated: 2023-12-15. Review status: criteria provided, single submitter. Criteria: GeneDx Variant Classification Process June 2021. Collection method: clinical testing. Allele origin: germline. Affected: yes.
Comment: Nonsense variant predicted to result in protein truncation or nonsense mediated decay in a gene for which loss of function is a known mechanism of disease; Not observed at significant frequency in large population cohorts (gnomAD); This variant is associated with the following publications: (PMID: 25846608, 26111748, 32503575, 27665122, 35211159)

Blueprint Genetics
Classification: Pathogenic for ALMS1-related disorders. Last evaluated: 2022-12-27. Review status: criteria provided, single submitter. Criteria: ACMG Guidelines, 2015. Collection method: clinical testing. Allele origin: germline. Affected: yes. Observed: 5 variant alleles.

Laboratory of Medical Genetics (UMR_S 1112), INSERM/Strasbourg University
Classification: Pathogenic for Alstrom syndrome. Last evaluated: 2022-08-09. Review status: criteria provided, single submitter. Criteria: ACMG Guidelines, 2015. Collection method: clinical testing. Allele origin: inherited. Affected: yes. Observed: 5 variant alleles, 1 compound heterozygote.

Fulgent Genetics
Classification: Pathogenic for Alstrom syndrome. Last evaluated: 2022-04-06. Review status: criteria provided, single submitter. Criteria: ACMG Guidelines, 2015. Collection method: clinical testing. Allele origin: unknown.

Ambry Genetics
Classification: Pathogenic for Cardiovascular phenotype. Last evaluated: 2021-01-06. Review status: criteria provided, single submitter. Criteria: Ambry Variant Classification Scheme 2023. Collection method: clinical testing. Allele origin: germline.
Comment: The p.L941* pathogenic mutation (also known as c.2822T>A), located in coding exon 8 of the ALMS1 gene, results from a T to A substitution at nucleotide position 2822. This changes the amino acid from a leucine to a stop codon within coding exon 8. This mutation (also referred to as c.2816T>A, p.L939*) has been detected in the homozygous state and in the compound heterozygous state with ALMS1 nonsense and frameshift alleles in individuals with Alstrom syndrome (Marshall JD et al. Hum Mutat, 2015 Jul;36:660-8; Das Bhowmik A et al. Obes Res Clin Pract , 2017 Sep;11:241-246; Baig S et al. Orphanet J Rare Dis, 2020 06;15:139). In addition to the clinical data presented in the literature, this alteration is expected to result in loss of function by premature protein truncation or nonsense-mediated mRNA decay. As such, this alteration is interpreted as a disease-causing mutation.

Genetic Services Laboratory, University of Chicago
Classification: Pathogenic. Last evaluated: 2018-12-09. Review status: criteria provided, single submitter. Criteria: ACMG Guidelines, 2015. Collection method: clinical testing. Allele origin: germline. Affected: yes.

Diagnostics Division, CENTRE FOR DNA FINGERPRINTING AND DIAGNOSTICS
Classification: Pathogenic for Alstrom syndrome. Last evaluated: 2015-12-01. Review status: criteria provided, single submitter. Criteria: Das Bhowmik Obes Res Clin Pract. 2017. Collection method: research. Allele origin: unknown. Affected: yes. Observed: 1 homozygote.
Comment: Nonsense mutation

Dr. Peter K. Rogan Lab, Western University
No classification provided (evidence only). Condition: Lung cancer. Review status: no classification provided. Collection method: in vitro. Allele origin: not applicable. Functional consequence: retained intron. Not counted in ClinVar's aggregate classification.

Literature cited by the submitters: PubMed 17594715 (cited by Labcorp Genetics (formerly Invitae), Labcorp and Variantyx, Inc.); PubMed 26111748 (cited by Labcorp Genetics (formerly Invitae), Labcorp); PubMed 27665122 (cited by Labcorp Genetics (formerly Invitae), Labcorp and Ambry Genetics); PubMed 30484169 (cited by Natera, Inc.); PubMed 32503575 (cited by Natera, Inc. and Ambry Genetics); PubMed 38576930 (cited by Variantyx, Inc.); PubMed 28407410 (cited by Variantyx, Inc.); PubMed 28717663 (cited by Variantyx, Inc.); PubMed 27788217 (cited by Variantyx, Inc.); DOI doi:10.1155/2023/2564200 (cited by Laboratory of Medical Genetics (UMR_S 1112), INSERM/Strasbourg University); PubMed 25846608 (cited by Ambry Genetics).

NM_001378454.1(ALMS1):c.2819T>A (p.Leu940Ter)

Gene: ALMS1 (ALMS1 centrosome and basal body associated protein; plus strand). Cytogenetic location: 2p13.1.
Variant type: single nucleotide variant.
Coding change: c.2819T>A on transcript NM_001378454.1 (MANE Select); coding-DNA position 2819, T replaced by A.
Protein change: p.Leu940Ter; replaces leucine 940 with a stop codon.
Molecular consequence: nonsense.
Genome position (GRCh38, 1-based): chr2:73,449,346, T>A. VCF-style: chr2-73449346-T-A. GRCh37 (hg19) VCF-style: chr2-73676473-T-A.
Other names: c.2822T>A, p.Leu941Ter (NM_015120.4); short protein forms L941*, L940*.
Identifiers: ClinVar variation 224801 (VCV000224801.58), dbSNP rs539612316, ClinGen allele CA352426.
Genomic context (GRCh38, chr2:73,449,346, plus strand): 5'-AGACCCTGCCAGACTTTCTTTTCCCTGAAGAAGCTCTGAAGGTTTCAGCTGTTTCTGTAT[T>A]GGCTGCCCAGAAGACTGGGACACCAACAGTGTCCTCTAATTCTCACTCACATAGCGAGAA-3'